The following is an entry in ClinVar:

NM_002907.4(RECQL):c.581T>C (p.Ile194Thr)

Gene: RECQL (RecQ like helicase; minus strand). Cytogenetic location: 12p12.1.
Variant type: single nucleotide variant.
Coding change: c.581T>C on transcript NM_002907.4 (MANE Select); coding-DNA position 581, T replaced by C.
Protein change: p.Ile194Thr; replaces isoleucine 194 with threonine.
Molecular consequence: missense variant.
Genome position (GRCh38, 1-based): chr12:21,483,495, A>G on the plus strand (T>C on the coding strand, the complement: RECQL is on the minus strand). VCF-style: chr12-21483495-A-G. GRCh37 (hg19) VCF-style: chr12-21636429-A-G.
Other names: c.581T>C, p.Ile194Thr (NM_032941.3); short protein forms I194T.
Identifiers: ClinVar variation 1749885 (VCV001749885.6), dbSNP rs754200566, ClinGen allele CA6479028.
Genomic context (GRCh38, chr12:21,483,495, plus strand): 5'-GTAAATCTCCTTGCTTCATAGGCTTTCTCTAGTCTTGACATAAACATTTTGCTTTTTGCA[A>G]TTTTCTCTGGAGTCACATAAATCAGCTTTAACTCGGAGTTTTTATTTACCATTTCAGCAT-3'
Protein context (NP_002898.2, residues 184-204): LKLIYVTPEK[Ile194Thr]AKSKMFMSRL

ClinVar aggregate classification (germline): Uncertain significance. Review status: criteria provided, multiple submitters, no conflicts (2 of 4 stars). 2 submissions from 2 submitters: Uncertain significance (2). Last evaluated 2025-08-14.

Allele frequency attached by ClinVar (database versions not stated): gnomAD exomes below 0.00001; ExAC 0.00001.
gnomAD v4.1: 7 of 1,587,288 alleles (0.00044%); highest among the groups gnomAD compares: East Asian, 0.0023%; no homozygotes.

Submissions (2):

Ambry Genetics
Classification: Uncertain significance. Last evaluated: 2025-08-14. Review status: criteria provided, single submitter. Criteria: Ambry Variant Classification Scheme 2023. Collection method: clinical testing. Allele origin: germline.
Comment: The p.I194T variant (also known as c.581T>C), located in coding exon 5 of the RECQL gene, results from a T to C substitution at nucleotide position 581. The isoleucine at codon 194 is replaced by threonine, an amino acid with similar properties. This amino acid position is highly conserved in available vertebrate species. In addition, the in silico prediction for this alteration is inconclusive. The evidence for this gene-disease relationship is limited; therefore, the clinical significance of this alteration is unclear.

Labcorp Genetics (formerly Invitae), Labcorp
Classification: Uncertain significance. Last evaluated: 2025-06-16. Review status: criteria provided, single submitter. Criteria: Invitae Variant Classification Sherloc (09022015). Collection method: clinical testing. Allele origin: germline.
Comment: This sequence change replaces isoleucine, which is neutral and non-polar, with threonine, which is neutral and polar, at codon 194 of the RECQL protein (p.Ile194Thr). This variant is present in population databases (rs754200566, gnomAD 0.004%). This variant has not been reported in the literature in individuals affected with RECQL-related conditions. ClinVar contains an entry for this variant (Variation ID: 1749885). Invitae Evidence Modeling of protein sequence and biophysical properties (such as structural, functional, and spatial information, amino acid conservation, physicochemical variation, residue mobility, and thermodynamic stability) indicates that this missense variant is expected to disrupt RECQL protein function with a positive predictive value of 80%. In summary, the available evidence is currently insufficient to determine the role of this variant in disease. Therefore, it has been classified as a Variant of Uncertain Significance.